The following is an entry in ClinVar:

ClinVar aggregate classification (germline): Uncertain significance (1 of 4 stars; one submission).

Conditions:
Cranium bifidum occultum. Also called: Enlarged Parietal Foramina; CATLIN MARKS; CRANIUM BIFIDUM, HEREDITARY. Identifiers: MedGen C1868598, HP:0004423.

Allele frequency attached by ClinVar (database versions not stated): gnomAD exomes below 0.00001.
gnomAD v4.1: 1 of 1,595,852 alleles (0.000063%); highest among the groups gnomAD compares: Admixed American, 0.0017%; no homozygotes.

Submission:

Labcorp Genetics (formerly Invitae), Labcorp
Classification: Uncertain significance for Cranium bifidum occultum. Last evaluated: 2022-07-27. Review status: criteria provided, single submitter. Criteria: Invitae Variant Classification Sherloc (09022015). Collection method: clinical testing. Allele origin: germline.
Comment: This sequence change replaces glutamic acid, which is acidic and polar, with lysine, which is basic and polar, at codon 15 of the MSX2 protein (p.Glu15Lys). This variant is not present in population databases (gnomAD no frequency). This variant has not been reported in the literature in individuals affected with MSX2-related conditions. Algorithms developed to predict the effect of missense changes on protein structure and function (SIFT, PolyPhen-2, Align-GVGD) all suggest that this variant is likely to be tolerated. In summary, the available evidence is currently insufficient to determine the role of this variant in disease. Therefore, it has been classified as a Variant of Uncertain Significance.

NM_002449.5(MSX2):c.43G>A (p.Glu15Lys)

Gene: MSX2 (msh homeobox 2; plus strand). Cytogenetic location: 5q35.2.
Variant type: single nucleotide variant.
Coding change: c.43G>A on transcript NM_002449.5 (MANE Select); coding-DNA position 43, G replaced by A.
Protein change: p.Glu15Lys; replaces glutamic acid 15 with lysine.
Molecular consequence: missense variant.
Genome position (GRCh38, 1-based): chr5:174,724,702, G>A. VCF-style: chr5-174724702-G-A. GRCh37 (hg19) VCF-style: chr5-174151705-G-A.
Other names: c.43G>A, p.Glu15Lys (NM_001363626.2); short protein forms E15K.
Identifiers: ClinVar variation 2168870 (VCV002168870.1), dbSNP rs2480591343, ClinGen allele CA362229003.